The following is an entry in ClinVar:

NM_022552.5(DNMT3A):c.130_131dup (p.Ala45fs)

Gene: DNMT3A (DNA methyltransferase 3 alpha; minus strand). Cytogenetic location: 2p23.3.
Variant type: Duplication.
Coding change: c.130_131dup on transcript NM_022552.5 (MANE Select); coding-DNA positions 130 to 131, 2 bases duplicated (AC; older notation c.130_131dupAC).
Protein change: p.Ala45fs; shifts the reading frame from alanine 45.
Molecular consequence: frameshift variant. On other transcripts: non-coding transcript variant (1).
Genome position (GRCh38, 1-based): chr2:25,300,185-25,300,186, GT duplicated on the plus strand (AC on the coding strand, the reverse complement: DNMT3A is on the minus strand); duplicating any 2 consecutive bases within chr2:25,300,185-25,300,187 gives the same sequence; the c. name uses the placement nearest the transcript's 3' end. VCF-style (leftmost placement, unchanged base first): chr2-25300184-C-CGT. GRCh37 (hg19) VCF-style: chr2-25523053-C-CGT.
Other names: c.130_131dup, p.Ala45fs (NM_001320892.2, NM_175629.2, NM_175630.1); c.130_131dupAC (NM_175629.2); short protein forms A45fs.
Identifiers: ClinVar variation 421277 (VCV000421277.1), dbSNP rs1553427894, ClinGen allele CA16617519.

ClinVar aggregate classification (germline): Likely pathogenic (1 of 4 stars; one submission).

Submission:

GeneDx
Classification: Likely pathogenic. Last evaluated: 2016-05-19. Review status: criteria provided, single submitter. Criteria: GeneDx Variant Classification (06012015). Collection method: clinical testing. Allele origin: germline. Affected: yes.
Comment: The c.130_131dupAC variant in the DNMT3A gene has not been reported previously as a pathogenic variant nor as a benign variant, to our knowledge. The c.130_131dupAC variant causes a frameshift starting with codon Alanine 45, changes this amino acid to an Arginine residue, and creates a premature Stop codon at position 28 of the new reading frame, denoted p.Ala45ArgfsX28. This variant is predicted to cause loss of normal protein function either through protein truncation or nonsense-mediated mRNA decay. The c.130_131dupAC variant was not observed in approximately 6500 individuals of European and African American ancestry in the NHLBI Exome Sequencing Project, indicating it is not a common benign variant in these populations. The c.130_131dupAC variant is a strong candidate for a pathogenic variant, however the possibility this is a benign variant cannot be excluded.